The following is an entry in ClinVar:

NM_181882.3(PRX):c.2837C>T (p.Ala946Val)

Gene: PRX (periaxin; minus strand). Cytogenetic location: 19q13.2.
Variant type: single nucleotide variant.
Coding change: c.2837C>T on transcript NM_181882.3 (MANE Select); coding-DNA position 2837, C replaced by T.
Protein change: p.Ala946Val; replaces alanine 946 with valine.
Molecular consequence: missense variant. On other transcripts: 3 prime UTR variant (1).
Genome position (GRCh38, 1-based): chr19:40,395,515, G>A on the plus strand (C>T on the coding strand, the complement: PRX is on the minus strand). VCF-style: chr19-40395515-G-A. GRCh37 (hg19) VCF-style: chr19-40901422-G-A.
Other names: c.*3042C>T (NM_020956.2); c.2837C>T (NM_181882.2); short protein forms A946V.
Identifiers: ClinVar variation 1016694 (VCV001016694.11), dbSNP rs139700059, ClinGen allele CA9443970.
Genomic context (GRCh38, chr19:40,395,515, plus strand): 5'-AGTGAGATGGCAAATTTGGATACCTTCAGCTTGGTAGCTCGCCCAGCCCCCTCAGCCTCT[G>A]CCTTAGCCACCTTTGGCCCCGAGAGTCCAAACTTAGGTAAGGAGAACTTGGAAGAGGGCT-3'
Protein context (NP_870998.2, residues 936-956): FGLSGPKVAK[Ala946Val]EAEGAGRATK

ClinVar aggregate classification (germline): Uncertain significance. Review status: criteria provided, multiple submitters, no conflicts (2 of 4 stars). 3 submissions from 3 submitters: Uncertain significance (3). Last evaluated 2026-03-03.

Conditions:
PRX-related disorder. Also called: PRX-Related Disorders; PRX-related condition.
Charcot-Marie-Tooth disease type 4. Also called: Charcot-Marie-Tooth disease, type IV; Charcot-Marie-Tooth, Type 4. Identifiers: Orphanet 64749, MedGen C4082197, MONDO:0018995.

Allele frequency attached by ClinVar (database versions not stated): gnomAD exomes 0.00001 and 0.00007; ExAC 0.00010; gnomAD 0.00025 and 0.00026; TOPMed 0.00025; 1000 Genomes Project 30x 0.00031; 1000 Genomes Project 0.00040; ESP Exome Variant Server 0.00046.
gnomAD v4.1: 55 of 1,614,206 alleles (0.0034%); highest among the groups gnomAD compares: African/African-American, 0.071%; no homozygotes.

Submissions (3):

PreventionGenetics, part of Exact Sciences
Classification: Uncertain significance for PRX-related condition. Last evaluated: 2026-03-03. Review status: criteria provided, single submitter. Criteria: ACMG Guidelines, 2015. Collection method: clinical testing. Allele origin: germline.
Comment: The PRX c.2837C>T variant is predicted to result in the amino acid substitution p.Ala946Val. To our knowledge, this variant has not been reported in the literature. This variant is reported in 0.092% of alleles in individuals of African descent in gnomAD. Although we suspect that this variant may be benign, at this time, the clinical significance of this variant is uncertain due to the absence of conclusive functional and genetic evidence.

Women's Health and Genetics/Laboratory Corporation of America, LabCorp
Classification: Uncertain significance. Last evaluated: 2025-12-01. Review status: criteria provided, single submitter. Criteria: LabCorp Variant Classification Summary - May 2015. Collection method: clinical testing. Allele origin: germline.
Comment: Variant summary: PRX c.2837C>T (p.Ala946Val) results in a non-conservative amino acid change in the encoded protein sequence. Algorithms developed to predict the effect of missense changes on protein structure and function are either unavailable or do not agree on the potential impact of this missense change. The variant allele was found at a frequency of 7.2e-05 in 251404 control chromosomes. This frequency is not significantly higher than estimated for disease-causing variants in PRX, allowing no conclusion about variant significance. To our knowledge, no occurrence of c.2837C>T in individuals affected with PRX-related conditions and no experimental evidence demonstrating its impact on protein function have been reported. ClinVar contains an entry for this variant (Variation ID: 1016694). Based on the evidence outlined above, the variant was classified as uncertain significance.

Labcorp Genetics (formerly Invitae), Labcorp
Classification: Uncertain significance for Charcot-Marie-Tooth disease type 4. Last evaluated: 2025-07-18. Review status: criteria provided, single submitter. Criteria: Invitae Variant Classification Sherloc (09022015). Collection method: clinical testing. Allele origin: germline.
Comment: This sequence change replaces alanine, which is neutral and non-polar, with valine, which is neutral and non-polar, at codon 946 of the PRX protein (p.Ala946Val). This variant is present in population databases (rs139700059, gnomAD 0.1%). This variant has not been reported in the literature in individuals affected with PRX-related conditions. ClinVar contains an entry for this variant (Variation ID: 1016694). Invitae Evidence Modeling of protein sequence and biophysical properties (such as structural, functional, and spatial information, amino acid conservation, physicochemical variation, residue mobility, and thermodynamic stability) indicates that this missense variant is not expected to disrupt PRX protein function with a negative predictive value of 80%. Algorithms developed to predict the effect of sequence changes on RNA splicing suggest that this variant may create or strengthen a splice site. In summary, the available evidence is currently insufficient to determine the role of this variant in disease. Therefore, it has been classified as a Variant of Uncertain Significance.